The following is an entry in ClinVar:

NM_194248.3(OTOF):c.4292T>A (p.Leu1431Ter)

Gene: OTOF (otoferlin; minus strand). Cytogenetic location: 2p23.3.
Variant type: single nucleotide variant.
Coding change: c.4292T>A on transcript NM_194248.3 (MANE Select); coding-DNA position 4292, T replaced by A.
Protein change: p.Leu1431Ter; replaces leucine 1431 with a stop codon.
Molecular consequence: nonsense.
Genome position (GRCh38, 1-based): chr2:26,467,169, A>T on the plus strand (T>A on the coding strand, the complement: OTOF is on the minus strand). VCF-style: chr2-26467169-A-T. GRCh37 (hg19) VCF-style: chr2-26690037-A-T.
Other names: c.4292T>A, p.Leu1431Ter (NM_001287489.2); c.1991T>A, p.Leu664Ter (NM_004802.4, NM_194323.3); c.2222T>A, p.Leu741Ter (NM_194322.3); short protein forms L1431*, L664*, L741*.
Identifiers: ClinVar variation 4879937 (VCV004879937.1).

ClinVar aggregate classification (germline): Pathogenic (0 of 4 stars; one submission).

Conditions:
Autosomal recessive nonsyndromic hearing loss 9. Also called: NEUROSENSORY NONSYNDROMIC RECESSIVE DEAFNESS 9; OTOF-Related Hearing Loss; Deafness, autosomal recessive 9; AUDITORY NEUROPATHY, AUTOSOMAL RECESSIVE, 1, TEMPERATURE-SENSITIVE. Identifiers: Orphanet 90636, MedGen C1832828, MONDO:0010986, OMIM 601071.

Submission:

Diagnosis and Treatment Center of Genetic Hearing Loss, Eye & ENT Hospital of Fudan University
Classification: Pathogenic for Autosomal recessive nonsyndromic hearing loss 9. Last evaluated: 2026-02-04. Review status: no assertion criteria provided. Collection method: clinical testing. Allele origin: germline. Inheritance: Autosomal recessive inheritance. Affected: yes.
Comment: The c.4292T>A nonsense variant in OTOF leads to a premature stop codon and predicted NMD (PVS1). It is absent from population databases (PM2_Supporting). The phenotype is consistent with auditory neuropathy (PP4).